The following is an entry in ClinVar:

ClinVar aggregate classification (germline): Uncertain significance (1 of 4 stars; one submission).

Conditions:
LAMA2-related muscular dystrophy (LAMA2-RD). Also called: Laminin alpha 2-related dystrophy. Identifiers: MedGen C5679788, MONDO:0100228.

Allele frequency attached by ClinVar (database versions not stated): gnomAD exomes below 0.00001; TOPMed below 0.00001.
gnomAD v4.1: 2 of 1,613,148 alleles (0.00012%); highest among the groups gnomAD compares: Non-Finnish European, 0.00017%; no homozygotes.

Submission:

Labcorp Genetics (formerly Invitae), Labcorp
Classification: Uncertain significance for LAMA2-related muscular dystrophy. Last evaluated: 2022-07-01. Review status: criteria provided, single submitter. Criteria: Invitae Variant Classification Sherloc (09022015). Collection method: clinical testing. Allele origin: germline.
Comment: This sequence change replaces asparagine, which is neutral and polar, with threonine, which is neutral and polar, at codon 2690 of the LAMA2 protein (p.Asn2690Thr). This variant is not present in population databases (gnomAD no frequency). This variant has not been reported in the literature in individuals affected with LAMA2-related conditions. ClinVar contains an entry for this variant (Variation ID: 1509682). Advanced modeling of protein sequence and biophysical properties (such as structural, functional, and spatial information, amino acid conservation, physicochemical variation, residue mobility, and thermodynamic stability) performed at Invitae indicates that this missense variant is not expected to disrupt LAMA2 protein function. In summary, the available evidence is currently insufficient to determine the role of this variant in disease. Therefore, it has been classified as a Variant of Uncertain Significance.

NM_000426.4(LAMA2):c.8069A>C (p.Asn2690Thr)

Gene: LAMA2 (laminin subunit alpha 2; plus strand). Cytogenetic location: 6q22.33.
Variant type: single nucleotide variant.
Coding change: c.8069A>C on transcript NM_000426.4 (MANE Select); coding-DNA position 8069, A replaced by C.
Protein change: p.Asn2690Thr; replaces asparagine 2690 with threonine.
Molecular consequence: missense variant.
Genome position (GRCh38, 1-based): chr6:129,492,071, A>C. VCF-style: chr6-129492071-A-C. GRCh37 (hg19) VCF-style: chr6-129813216-A-C.
Other names: c.8057A>C, p.Asn2686Thr (NM_001079823.2); short protein forms N2686T, N2690T.
Identifiers: ClinVar variation 1509682 (VCV001509682.5), dbSNP rs1323010206, ClinGen allele CA365631151.